The following is an entry in ClinVar:

ClinVar aggregate classification (germline): Uncertain significance (1 of 4 stars; one submission).

Submission:

GeneDx
Classification: Uncertain significance. Last evaluated: 2023-06-06. Review status: criteria provided, single submitter. Criteria: GeneDx Variant Classification Process June 2021. Collection method: clinical testing. Allele origin: germline. Affected: yes.
Comment: Not observed at significant frequency in large population cohorts (gnomAD); In silico analysis supports that this missense variant has a deleterious effect on protein structure/function; Has not been previously published as pathogenic or benign to our knowledge

NM_002069.6(GNAI1):c.103A>G (p.Lys35Glu)

Gene: GNAI1 (G protein subunit alpha i1; plus strand). Cytogenetic location: 7q21.11.
Variant type: single nucleotide variant.
Coding change: c.103A>G on transcript NM_002069.6 (MANE Select); coding-DNA position 103, A replaced by G.
Protein change: p.Lys35Glu; replaces lysine 35 with glutamic acid.
Molecular consequence: missense variant.
Genome position (GRCh38, 1-based): chr7:80,135,263, A>G. VCF-style: chr7-80135263-A-G. GRCh37 (hg19) VCF-style: chr7-79764579-A-G.
Other names: short protein forms K35E.
Identifiers: ClinVar variation 3359594 (VCV003359594.1).